The following is an entry in ClinVar:

NM_001378454.1(ALMS1):c.1093G>A (p.Asp365Asn)

Gene: ALMS1 (ALMS1 centrosome and basal body associated protein; plus strand). Cytogenetic location: 2p13.1.
Variant type: single nucleotide variant.
Coding change: c.1093G>A on transcript NM_001378454.1 (MANE Select); coding-DNA position 1093, G replaced by A.
Protein change: p.Asp365Asn; replaces aspartic acid 365 with asparagine.
Molecular consequence: missense variant.
Genome position (GRCh38, 1-based): chr2:73,424,758, G>A. VCF-style: chr2-73424758-G-A. GRCh37 (hg19) VCF-style: chr2-73651886-G-A.
Other names: c.1093G>A (NM_015120.4); c.1096G>A, p.Asp366Asn (NM_015120.4); short protein forms D366N, D365N.
Identifiers: ClinVar variation 667191 (VCV000667191.4), dbSNP rs1229379546, ClinGen allele CA347261482.

ClinVar aggregate classification (germline): Uncertain significance (1 of 4 stars; one submission).

Submission:

Laboratory for Molecular Medicine, Mass General Brigham Personalized Medicine
Classification: Uncertain significance. Last evaluated: 2018-09-26. Review status: criteria provided, single submitter. Criteria: LMM Criteria. Collection method: clinical testing. Allele origin: germline. Observed: 1 variant allele.
Comment: The p.Asp366Asn variant in ALMS1 has not been previously reported in individuals with hearing loss or Alstrom syndrome and was absent from large population stud ies. Computational prediction tools and conservation analysis suggest that this variant may not impact the protein, though this information is not predictive en ough to rule out pathogenicity. In summary, the clinical significance of this va riant is uncertain. ACMG/AMP Criteria applied: PM2, BP4.